The following is an entry in ClinVar:

NM_000051.4(ATM):c.3154-3T>C

Gene: ATM (ATM serine/threonine kinase; plus strand). Cytogenetic location: 11q22.3.
Variant type: single nucleotide variant.
Coding change: c.3154-3T>C on transcript NM_000051.4 (MANE Select); 3 bases into the intron before coding-DNA position 3154, T replaced by C.
Molecular consequence: intron variant.
Genome position (GRCh38, 1-based): chr11:108,272,719, T>C. VCF-style: chr11-108272719-T-C. GRCh37 (hg19) VCF-style: chr11-108143446-T-C.
Other names: c.3154-3T>C (NM_001351834.2, NM_000051.3).
Identifiers: ClinVar variation 3254008 (VCV003254008.2), dbSNP rs2081656681.
Genomic context (GRCh38, chr11:108,272,719, plus strand): 5'-TCTTTGTTTGTTAATGAGTAATTTTTCTCTATTTCATATTTAACCACAGTTCTTTTCCCG[T>C]AGGCTGATCCTTATTCAAAATGGGCCATTCTTAATGTAATGGGAAAAGACTTTCCTGTAA-3'

ClinVar aggregate classification (germline): Conflicting classifications of pathogenicity. Review status: criteria provided, conflicting classifications (1 of 4 stars). 2 submissions from 2 submitters: Uncertain significance (1); Likely benign (1). Last evaluated 2025-01-31.

Conditions:
Hereditary cancer-predisposing syndrome. Also called: Hereditary neoplastic syndrome; Neoplastic Syndromes, Hereditary; Tumor predisposition; Hereditary Cancer Syndrome. Identifiers: Orphanet 140162, MedGen C0027672, MeSH D009386, MONDO:0015356.
Familial cancer of breast. Also called: BREAST CANCER, FAMILIAL; Hereditary breast cancer; hereditary breast carcinoma. Identifiers: Orphanet 227535, MedGen C0346153, MONDO:0016419, OMIM 114480. Disease mechanism: loss of function.

Submissions (2):

Ambry Genetics
Classification: Uncertain significance for Hereditary cancer-predisposing syndrome. Last evaluated: 2025-01-31. Review status: criteria provided, single submitter. Criteria: Ambry Variant Classification Scheme 2023. Collection method: clinical testing. Allele origin: germline.
Comment: The c.3154-3T>C intronic variant results from a T to C substitution 3 nucleotides upstream from coding exon 21 in the ATM gene. This nucleotide position is not well conserved in available vertebrate species. In silico splice site analysis predicts that this alteration will not have any significant effect on splicing. Based on the available evidence, the clinical significance of this variant remains unclear.

Myriad Genetics, Inc.
Classification: Likely benign for Familial cancer of breast. Last evaluated: 2024-05-13. Review status: criteria provided, single submitter. Criteria: Myriad Autosomal Dominant, Autosomal Recessive and X-Linked Classification Criteria (2023). Collection method: clinical testing. Allele origin: unknown.
Comment: This variant is considered likely benign. This variant is intronic and is not expected to impact mRNA splicing.